The following is an entry in ClinVar:

ClinVar aggregate classification (germline): Pathogenic (1 of 4 stars; one submission).

Conditions:
Early-infantile DEE. Also called: Ohtahara syndrome; Early infantile epileptic encephalopathy with suppression bursts; Early infantile epileptic encephalopathy. Identifiers: Orphanet 1934, MedGen C0393706, MONDO:0800491.

Submission:

Labcorp Genetics (formerly Invitae), Labcorp
Classification: Pathogenic for Early-infantile DEE. Last evaluated: 2023-05-16. Review status: criteria provided, single submitter. Criteria: Invitae Variant Classification Sherloc (09022015). Collection method: clinical testing. Allele origin: germline.
Comment: This variant has not been reported in the literature in individuals affected with SCN1A-related conditions. For these reasons, this variant has been classified as Pathogenic. This variant is not present in population databases (gnomAD no frequency). This sequence change creates a premature translational stop signal (p.Leu80Profs*6) in the SCN1A gene. It is expected to result in an absent or disrupted protein product. Loss-of-function variants in SCN1A are known to be pathogenic (PMID: 17347258, 18930999).

Literature cited by the submitters: PubMed 17347258; PubMed 18930999.

NM_001165963.4(SCN1A):c.239_243del (p.Leu80fs)

Gene: SCN1A (sodium voltage-gated channel alpha subunit 1; minus strand). Cytogenetic location: 2q24.3.
Variant type: Deletion.
Coding change: c.239_243del on transcript NM_001165963.4 (MANE Select); coding-DNA positions 239 to 243, 5 bases deleted (TGGAC; older notation c.239_243delTGGAC).
Protein change: p.Leu80fs; shifts the reading frame from leucine 80.
Molecular consequence: frameshift variant. On other transcripts: 5 prime UTR variant (1), non-coding transcript variant (1).
Genome position (GRCh38, 1-based): chr2:166,073,379-166,073,383, GTCCA deleted on the plus strand (TGGAC on the coding strand, the reverse complement: SCN1A is on the minus strand); deleting any 5 consecutive bases within chr2:166,073,379-166,073,384 gives the same sequence; the c. name uses the placement nearest the transcript's 3' end. VCF-style (leftmost placement, unchanged base first): chr2-166073378-GGTCCA-G. GRCh37 (hg19) VCF-style: chr2-166929888-GGTCCA-G.
Other names: c.239_243del, p.Leu80fs (NM_001202435.3, NM_001353948.2, NM_001353949.2 and 10 more transcripts); c.-2187_-2183del (NM_001353961.2); short protein forms L80fs.
Identifiers: ClinVar variation 2864801 (VCV002864801.3), dbSNP rs2468363965, ClinGen allele CA2739271617.